The following is an entry in ClinVar:

NM_018406.7(MUC4):c.8076C>T (p.Thr2692=)

Gene: MUC4 (mucin 4, cell surface associated). Cytogenetic location: 3q29.
Variant type: single nucleotide variant.
Coding change: c.8076C>T on transcript NM_018406.7 (MANE Select); coding-DNA position 8076, C replaced by T.
Protein change: p.Thr2692=; no amino-acid change (threonine 2692 retained).
Molecular consequence: synonymous variant. On other transcripts: genic upstream transcript variant (2).
Genome position (GRCh38, 1-based): chr3:195,783,504, G>A on the plus strand (C>T on the coding strand, the complement: MUC4 is on the minus strand). VCF-style: chr3-195783504-G-A. GRCh37 (hg19) VCF-style: chr3-195510375-G-A.
Other names: c.11643C>T, p.Thr3881= (NM_001322468.1); c.83-9199C>T (NM_138297.5); c.83-5049C>T (NM_004532.6).
Identifiers: ClinVar variation 2654457 (VCV002654457.24), dbSNP rs750168264, ClinGen allele CA2771880.

ClinVar aggregate classification (germline): Likely benign (1 of 4 stars; one submission).

Allele frequency attached by ClinVar (database versions not stated): gnomAD 0.00147.

Submission:

CeGaT Center for Human Genetics Tuebingen
Classification: Likely benign. Last evaluated: 2026-01-01. Review status: criteria provided, single submitter. Criteria: CeGaT Center For Human Genetics Tuebingen Variant Classification Criteria Version 2. Collection method: clinical testing. Allele origin: germline. Affected: yes. Observed: 4 variant alleles.
Comment: MUC4: BP4, BP7